The following is an entry in ClinVar:

NM_014795.4(ZEB2):c.481del (p.Val161fs)

Gene: ZEB2 (zinc finger E-box binding homeobox 2; minus strand). Cytogenetic location: 2q22.3.
Variant type: Deletion.
Coding change: c.481del on transcript NM_014795.4 (MANE Select); coding-DNA position 481, one base deleted (G; older notation c.481delG).
Protein change: p.Val161fs; shifts the reading frame from valine 161.
Molecular consequence: frameshift variant.
Genome position (GRCh38, 1-based): chr2:144,404,947, C deleted on the plus strand (G on the coding strand, the reverse complement: ZEB2 is on the minus strand). VCF-style (leftmost placement, unchanged base first): chr2-144404946-AC-A. GRCh37 (hg19) VCF-style: chr2-145162513-AC-A.
Other names: c.409del, p.Val137fs (NM_001171653.2); short protein forms V161fs, V137fs.
Identifiers: ClinVar variation 466289 (VCV000466289.6), dbSNP rs1553962198, ClinGen allele CA658657065.

ClinVar aggregate classification (germline): Pathogenic (1 of 4 stars; one submission).

Conditions:
Mowat-Wilson syndrome (MOWS). Also called: Classic Mowat-Wilson Syndrome. Identifiers: Orphanet 2152, MedGen C1856113, MONDO:0009341, OMIM 235730.

Submission:

Labcorp Genetics (formerly Invitae), Labcorp
Classification: Pathogenic for Mowat-Wilson syndrome. Last evaluated: 2017-01-23. Review status: criteria provided, single submitter. Criteria: Invitae Variant Classification Sherloc (09022015). Collection method: clinical testing. Allele origin: germline.
Comment: This sequence change deletes 1 nucleotide from exon 5 of the ZEB2 mRNA (c.481delG), causing a frameshift at codon 161. This creates a premature translational stop signal (p.Val161Serfs*51) and is expected to result in an absent or disrupted protein product. While this particular variant has not been reported in the literature, truncating variants in ZEB2 are known to be pathogenic (PMID: 16053902). For these reasons, this variant has been classified as Pathogenic.

Literature cited by the submitters: PubMed 16053902.